The following is an entry in ClinVar:

ClinVar aggregate classification (germline): Likely benign (1 of 4 stars; one submission).

Allele frequency attached by ClinVar (database versions not stated): gnomAD 0.00295 and 0.00307; 1000 Genomes Project 0.00419.
gnomAD v4.1: 393 of 132,344 alleles (0.3%); highest among the groups gnomAD compares: Non-Finnish European, 0.44%; no homozygotes.

Submission:

CeGaT Center for Human Genetics Tuebingen
Classification: Likely benign. Last evaluated: 2023-06-01. Review status: criteria provided, single submitter. Criteria: CeGaT Center For Human Genetics Tuebingen Variant Classification Criteria Version 2. Collection method: clinical testing. Allele origin: germline. Affected: yes. Observed: 29 variant alleles.
Comment: HRAS: BS1

NC_000011.10:g.530466G>C

Genes: HRAS (HRas proto-oncogene, GTPase; minus strand), LRRC56 (leucine rich repeat containing 56; plus strand). Cytogenetic location: 11p15.5.
Variant type: single nucleotide variant.
Genome position: GRCh38 VCF-style: chr11-530466-G-C. GRCh37 (hg19) VCF-style: chr11-530466-G-C.
Identifiers: ClinVar variation 1694576 (VCV001694576.31), dbSNP rs569269635, ClinGen allele CA216941408.